The following is an entry in ClinVar:

NM_004104.5(FASN):c.4993G>T (p.Val1665Leu)

Gene: FASN (fatty acid synthase; minus strand). Cytogenetic location: 17q25.3.
Variant type: single nucleotide variant.
Coding change: c.4993G>T on transcript NM_004104.5 (MANE Select); coding-DNA position 4993, G replaced by T.
Protein change: p.Val1665Leu; replaces valine 1665 with leucine.
Molecular consequence: missense variant.
Genome position (GRCh38, 1-based): chr17:82,084,080, C>A on the plus strand (G>T on the coding strand, the complement: FASN is on the minus strand). VCF-style: chr17-82084080-C-A. GRCh37 (hg19) VCF-style: chr17-80041956-C-A.
Other names: short protein forms V1665L.
Identifiers: ClinVar variation 581274 (VCV000581274.9), dbSNP rs1270962378, ClinGen allele CA401541484.

ClinVar aggregate classification (germline): Uncertain significance. Review status: criteria provided, multiple submitters, no conflicts (2 of 4 stars). 2 submissions from 2 submitters: Uncertain significance (2). Last evaluated 2024-12-28.

Conditions:
Epileptic encephalopathy. Identifiers: MedGen C0543888, HP:0200134.

Allele frequency attached by ClinVar (database versions not stated): TOPMed 0.00002; gnomAD 0.00001.
gnomAD v4.1: 6 of 1,556,794 alleles (0.00039%); highest among the groups gnomAD compares: Admixed American, 0.0019%; no homozygotes.

Submissions (2):

Ambry Genetics
Classification: Uncertain significance. Last evaluated: 2024-12-28. Review status: criteria provided, single submitter. Criteria: Ambry Variant Classification Scheme 2023. Collection method: clinical testing. Allele origin: germline.

Labcorp Genetics (formerly Invitae), Labcorp
Classification: Uncertain significance for Epileptic encephalopathy. Last evaluated: 2024-03-15. Review status: criteria provided, single submitter. Criteria: Invitae Variant Classification Sherloc (09022015). Collection method: clinical testing. Allele origin: germline.
Comment: This sequence change replaces valine, which is neutral and non-polar, with leucine, which is neutral and non-polar, at codon 1665 of the FASN protein (p.Val1665Leu). This variant is not present in population databases (gnomAD no frequency). This variant has not been reported in the literature in individuals affected with FASN-related conditions. ClinVar contains an entry for this variant (Variation ID: 581274). Algorithms developed to predict the effect of missense changes on protein structure and function output the following: SIFT: "Not Available"; PolyPhen-2: "Benign"; Align-GVGD: "Not Available". The leucine amino acid residue is found in multiple mammalian species, which suggests that this missense change does not adversely affect protein function. In summary, the available evidence is currently insufficient to determine the role of this variant in disease. Therefore, it has been classified as a Variant of Uncertain Significance.